The following is an entry in ClinVar:

ClinVar aggregate classification (germline): Uncertain significance (1 of 4 stars; one submission).

Conditions:
Bloom syndrome (BLM). Also called: Bloom-Torre-Machacek syndrome. Identifiers: Orphanet 125, MedGen C0005859, MONDO:0008876, OMIM 210900.

Submission:

Labcorp Genetics (formerly Invitae), Labcorp
Classification: Uncertain significance for Bloom syndrome. Last evaluated: 2024-07-28. Review status: criteria provided, single submitter. Criteria: Invitae Variant Classification Sherloc (09022015). Collection method: clinical testing. Allele origin: germline.
Comment: This sequence change falls in intron 17 of the BLM gene. It does not directly change the encoded amino acid sequence of the BLM protein. This variant is not present in population databases (gnomAD no frequency). This variant has not been reported in the literature in individuals affected with BLM-related conditions. Studies have shown that this variant is associated with inconclusive levels of altered splicing (Invitae). In summary, the available evidence is currently insufficient to determine the role of this variant in disease. Therefore, it has been classified as a Variant of Uncertain Significance.

NM_000057.4(BLM):c.3359-6_3359-5insTTTTTTTTTTTTTTTTTTTTNNNNNNNNNNGGGGGGTTTGTGTGGGTGTGTGTGGTGTGTTGGGGTGGTGGGTGGGGTTGTGGGTGGGGGTGTCTGTGGCGGGTGCGGGCGCGGGAGAGGGAGAGGGAGAGGGAGAGGGCCTGTATCTTCTT

Gene: BLM (BLM RecQ like helicase; plus strand). Cytogenetic location: 15q26.1.
Variant type: Insertion.
Coding change: c.3359-6_3359-5insTTTTTTTTTTTTTTTTTTTTNNNNNNNNNNGGGGGGTTTGTGTGGGTGTGTGTGGTGTGTTGGGGTGGTGGGTGGGGTTGTGGGTGGGGGTGTCTGTGGCGGGTGCGGGCGCGGGAGAGGGAGAGGGAGAGGGAGAGGGCCTGTATCTTCTT on transcript NM_000057.4 (MANE Select); 6 bases into the intron before coding-DNA position 3359 through 5 bases into the intron before coding-DNA position 3359, TTTTTTTTTTTTTTTTTTTTNNNNNNNNNNGGGGGGTTTGTGTGGGTGTGTGTGGTGTGTTGGGGTGGTGGGTGGGGTTGTGGGTGGGGGTGTCTGTGGCGGGTGCGGGCGCGGGAGAGGGAGAGGGAGAGGGAGAGGGCCTGTATCTTCTT inserted.
Molecular consequence: intron variant.
Genome position: GRCh38: chr15:90,803,515-90,803,516. GRCh37 (hg19): chr15:91,346,745-91,346,746.
Other names: c.3359-6_3359-5insTTTTTTTTTTTTTTTTTTTTNNNNNNNNNNGGGGGGTTTGTGTGGGTGTGTGTGGTGTGTTGGGGTGGTGGGTGGGGTTGTGGGTGGGGGTGTCTGTGGCGGGTGCGGGCGCGGGAGAGGGAGAGGGAGAGGGAGAGGGCCTGTATCTTCTT (NM_001287246.2); c.2234-6_2234-5insTTTTTTTTTTTTTTTTTTTTNNNNNNNNNNGGGGGGTTTGTGTGGGTGTGTGTGGTGTGTTGGGGTGGTGGGTGGGGTTGTGGGTGGGGGTGTCTGTGGCGGGTGCGGGCGCGGGAGAGGGAGAGGGAGAGGGAGAGGGCCTGTATCTTCTT (NM_001287248.2); c.3358+5178_3358+5179insTTTTTTTTTTTTTTTTTTTTNNNNNNNNNNGGGGGGTTTGTGTGGGTGTGTGTGGTGTGTTGGGGTGGTGGGTGGGGTTGTGGGTGGGGGTGTCTGTGGCGGGTGCGGGCGCGGGAGAGGGAGAGGGAGAGGGAGAGGGCCTGTATCTTCTT (NM_001287247.2).
Identifiers: ClinVar variation 3660740 (VCV003660740.2).